The following is an entry in ClinVar:

NM_020247.5(COQ8A):c.320_331dup (p.Ala110_His111insLeuGlyHisAla)

Gene: COQ8A (coenzyme Q8A; plus strand). Cytogenetic location: 1q42.13.
Variant type: Duplication.
Coding change: c.320_331dup on transcript NM_020247.5 (MANE Select); coding-DNA positions 320 to 331, 12 bases duplicated (TGGGTCATGCCC).
Protein change: p.Ala110_His111insLeuGlyHisAla.
Genome position (GRCh38, 1-based): chr1:226,965,142-226,965,153, TGGGTCATGCCC duplicated; duplicating any 12 consecutive bases within chr1:226,965,139-226,965,153 gives the same sequence; the c. name uses the placement nearest the transcript's 3' end. VCF-style (leftmost placement, unchanged base first): chr1-226965138-T-TCCCTGGGTCATG. GRCh37 (hg19) VCF-style: chr1-227152839-T-TCCCTGGGTCATG.
Identifiers: ClinVar variation 3648825 (VCV003648825.2).

ClinVar aggregate classification (germline): Uncertain significance (1 of 4 stars; one submission).

Submission:

Labcorp Genetics (formerly Invitae), Labcorp
Classification: Uncertain significance. Last evaluated: 2024-04-04. Review status: criteria provided, single submitter. Criteria: Invitae Variant Classification Sherloc (09022015). Collection method: clinical testing. Allele origin: germline.
Comment: This variant, c.320_331dup, results in the insertion of 4 amino acid(s) of the COQ8A protein (p.Leu107_Ala110dup), but otherwise preserves the integrity of the reading frame. This variant is not present in population databases (gnomAD no frequency). This variant has not been reported in the literature in individuals affected with COQ8A-related conditions. Algorithms developed to predict the effect of sequence changes on RNA splicing suggest that this variant may create or strengthen a splice site. In summary, the available evidence is currently insufficient to determine the role of this variant in disease. Therefore, it has been classified as a Variant of Uncertain Significance.